The following is an entry in ClinVar:

NM_000038.5:c.8082_8083insALU

Gene: APC (APC regulator of Wnt signaling pathway; plus strand).
Variant type: Insertion.
Identifiers: ClinVar variation 3409333 (VCV003409333.1).

ClinVar aggregate classification (germline): Likely pathogenic (1 of 4 stars; one submission).

Conditions:
Hereditary cancer-predisposing syndrome. Also called: Neoplastic Syndromes, Hereditary; Tumor predisposition; Hereditary Cancer Syndrome; Hereditary neoplastic syndrome. Identifiers: Orphanet 140162, MedGen C0027672, MeSH D009386, MONDO:0015356.

Submission:

Ambry Genetics
Classification: Likely pathogenic for Hereditary cancer-predisposing syndrome. Last evaluated: 2024-07-11. Review status: criteria provided, single submitter. Criteria: Ambry Variant Classification Scheme 2023. Collection method: clinical testing. Allele origin: germline.
Comment: The c.8082_8083insALU results from the insertion of an Alu between nucleotides c.8082 and c.8083 in coding exon 15 of the APC gene. Mobile element insertions contribute to pathogenicity by either disrupting the coding sequence or inducing aberrant splicing (Belancio VP et al. Semin. Cancer Biol. 2010 Aug;20:200-10; Deininger P et al. Genome Biol. 2011 Dec;12:236; van der Klift HM Hum Mutat. 2012 Jul;33(7):1051-5). This alteration occurs at the 3' terminus of the APC gene and is not expected to trigger nonsense-mediated mRNA decay. However, premature stop codons are typically deleterious in nature, and the impacted region is critical for protein function (Ambry internal data). Based on the majority of available evidence to date, this variant is likely to be pathogenic.